The following is an entry in ClinVar:

NM_004260.4(RECQL4):c.1886G>C (p.Arg629Pro)

Gene: RECQL4 (RecQ like helicase 4; minus strand). Cytogenetic location: 8q24.3.
Variant type: single nucleotide variant.
Coding change: c.1886G>C on transcript NM_004260.4 (MANE Select); coding-DNA position 1886, G replaced by C.
Protein change: p.Arg629Pro; replaces arginine 629 with proline.
Molecular consequence: missense variant.
Genome position (GRCh38, 1-based): chr8:144,514,100, C>G on the plus strand (G>C on the coding strand, the complement: RECQL4 is on the minus strand). VCF-style: chr8-144514100-C-G. GRCh37 (hg19) VCF-style: chr8-145739484-C-G.
Other names: short protein forms R629P.
Identifiers: ClinVar variation 459351 (VCV000459351.8), dbSNP rs761794554, ClinGen allele CA372680550.
Genomic context (GRCh38, chr8:144,514,100, plus strand): 5'-GCAGTGCGGCGTGTGGCTGTGGCTGTGAGGCCCAGGAAGCAGTGCACGCCCATGCGCTCC[C>G]GAAGCACCTGCACCAGAGGCGGCAGTGGTGTGAGGCCGCCCAGCCCATCCCGGCCCTGGC-3'
Protein context (NP_004251.4, residues 619-639): PCYLRVCKVL[Arg629Pro]ERMGVHCFLG

ClinVar aggregate classification (germline): Uncertain significance. Review status: criteria provided, multiple submitters, no conflicts (2 of 4 stars). 2 submissions from 2 submitters: Uncertain significance (2). Last evaluated 2026-04-15.

Conditions:
Inborn genetic diseases. Identifiers: MedGen C0950123, MeSH D030342.
Baller-Gerold syndrome (BGS). Also called: CRANIOSYNOSTOSIS WITH RADIAL DEFECTS. Identifiers: Orphanet 1225, MedGen C0265308, MONDO:0009039, OMIM 218600.

Submissions (2):

Ambry Genetics
Classification: Uncertain significance for Inborn genetic diseases. Last evaluated: 2026-04-15. Review status: criteria provided, single submitter. Criteria: Ambry Variant Classification Scheme 2023. Collection method: clinical testing. Allele origin: germline.
Comment: The p.R629P variant (also known as c.1886G>C), located in coding exon 12 of the RECQL4 gene, results from a G to C substitution at nucleotide position 1886. The arginine at codon 629 is replaced by proline, an amino acid with dissimilar properties. This amino acid position is conserved. In addition, this alteration is predicted to be deleterious by in silico analysis. Based on the available evidence, the clinical significance of this variant remains unclear.

Labcorp Genetics (formerly Invitae), Labcorp
Classification: Uncertain significance for Baller-Gerold syndrome. Last evaluated: 2023-09-20. Review status: criteria provided, single submitter. Criteria: Invitae Variant Classification Sherloc (09022015). Collection method: clinical testing. Allele origin: germline.
Comment: Advanced modeling of protein sequence and biophysical properties (such as structural, functional, and spatial information, amino acid conservation, physicochemical variation, residue mobility, and thermodynamic stability) performed at Invitae indicates that this missense variant is expected to disrupt RECQL4 protein function. ClinVar contains an entry for this variant (Variation ID: 459351). This variant has not been reported in the literature in individuals affected with RECQL4-related conditions. This sequence change replaces arginine, which is basic and polar, with proline, which is neutral and non-polar, at codon 629 of the RECQL4 protein (p.Arg629Pro). This variant is not present in population databases (gnomAD no frequency). In summary, the available evidence is currently insufficient to determine the role of this variant in disease. Therefore, it has been classified as a Variant of Uncertain Significance.